The following is an entry in ClinVar:

ClinVar aggregate classification (germline): Uncertain significance (1 of 4 stars; one submission).

Conditions:
Spermatogenic failure 18. Identifiers: MedGen C4539783, MONDO:0054615, OMIM 617576.
Ciliary dyskinesia, primary, 37 (CILD37). Also called: CILIARY DYSKINESIA, PRIMARY, 37, WITH OR WITHOUT SITUS INVERSUS. Identifiers: MedGen C4539798, MONDO:0033204, OMIM 617577.

Submission:

Labcorp Genetics (formerly Invitae), Labcorp
Classification: Uncertain significance for Ciliary dyskinesia, primary, 37; Spermatogenic failure 18. Last evaluated: 2025-10-29. Review status: criteria provided, single submitter. Criteria: Invitae Variant Classification Sherloc (09022015). Collection method: clinical testing. Allele origin: germline.
Comment: This sequence change replaces threonine, which is neutral and polar, with isoleucine, which is neutral and non-polar, at codon 3956 of the DNAH1 protein (p.Thr3956Ile). This variant is not present in population databases (gnomAD no frequency). This variant has not been reported in the literature in individuals affected with DNAH1-related conditions. Invitae Evidence Modeling of protein sequence and biophysical properties (such as structural, functional, and spatial information, amino acid conservation, physicochemical variation, residue mobility, and thermodynamic stability) has been performed for this missense variant. However, the output from this modeling did not meet the statistical confidence thresholds required to predict the impact of this variant on DNAH1 protein function. In summary, the available evidence is currently insufficient to determine the role of this variant in disease. Therefore, it has been classified as a Variant of Uncertain Significance.

NM_015512.5(DNAH1):c.11867C>T (p.Thr3956Ile)

Gene: DNAH1 (dynein axonemal heavy chain 1; plus strand). Cytogenetic location: 3p21.1.
Variant type: single nucleotide variant.
Coding change: c.11867C>T on transcript NM_015512.5 (MANE Select); coding-DNA position 11867, C replaced by T.
Protein change: p.Thr3956Ile; replaces threonine 3956 with isoleucine.
Molecular consequence: missense variant.
Genome position (GRCh38, 1-based): chr3:52,397,786, C>T. VCF-style: chr3-52397786-C-T. GRCh37 (hg19) VCF-style: chr3-52431802-C-T.
Other names: short protein forms T3956I.
Identifiers: ClinVar variation 4791336 (VCV004791336.1).